The following is an entry in ClinVar:

NM_001128178.3(NPHP1):c.1522G>C (p.Val508Leu)

Gene: NPHP1 (nephrocystin 1; minus strand). Cytogenetic location: 2q13.
Variant type: single nucleotide variant.
Coding change: c.1522G>C on transcript NM_001128178.3 (MANE Select); coding-DNA position 1522, G replaced by C.
Protein change: p.Val508Leu; replaces valine 508 with leucine.
Molecular consequence: missense variant.
Genome position (GRCh38, 1-based): chr2:110,143,549, C>G on the plus strand (G>C on the coding strand, the complement: NPHP1 is on the minus strand). VCF-style: chr2-110143549-C-G. GRCh37 (hg19) VCF-style: chr2-110901126-C-G.
Other names: p.Val564Leu; c.1690G>C, p.Val564Leu (NM_000272.5); c.1333G>C, p.Val445Leu (NM_001128179.3); c.1519G>C, p.Val507Leu (NM_001374256.1); c.1522G>C, p.Val508Leu (NM_001374257.1); c.1687G>C, p.Val563Leu (NM_207181.4); short protein forms V564L, V445L, V563L, V508L, V507L.
Identifiers: ClinVar variation 330729 (VCV000330729.15), dbSNP rs573192954, ClinGen allele CA1826996.

ClinVar aggregate classification (germline): Uncertain significance. Review status: criteria provided, multiple submitters, no conflicts (2 of 4 stars). 7 submissions from 5 submitters: Uncertain significance (7). Last evaluated 2022-03-12.

Conditions:
Nephronophthisis. Also called: Juvenile Nephronophthisis. Identifiers: Orphanet 655, MedGen C0687120, MONDO:0019005, HP:0000090.
Joubert syndrome with renal defect. Also called: JOUBERT SYNDROME 4. Identifiers: Orphanet 220497, MedGen C1846790, MONDO:0012308, OMIM 609583.
Nephronophthisis 1 (NPHP1). Also called: Nephronophthisis familial juvenile. Identifiers: Orphanet 655, Orphanet 93592, MedGen C1855681, MONDO:0009728, OMIM 256100.
Senior-Loken syndrome 1 (SLSN1). Also called: JUVENILE NEPHRONOPHTHISIS WITH LEBER AMAUROSIS. Identifiers: Orphanet 3156, MedGen C4551559, MONDO:0009962, OMIM 266900.

Allele frequency attached by ClinVar (database versions not stated): TOPMed 0.00007.
gnomAD v4.1: 29 of 1,609,874 alleles (0.0018%); highest among the groups gnomAD compares: Non-Finnish European, 0.0024%; no homozygotes.

Submissions (7):

Labcorp Genetics (formerly Invitae), Labcorp
Classification: Uncertain significance for Nephronophthisis. Last evaluated: 2022-03-12. Review status: criteria provided, single submitter. Criteria: Invitae Variant Classification Sherloc (09022015). Collection method: clinical testing. Allele origin: germline.
Comment: This sequence change replaces valine, which is neutral and non-polar, with leucine, which is neutral and non-polar, at codon 564 of the NPHP1 protein (p.Val564Leu). This variant is present in population databases (rs573192954, gnomAD 0.004%). This variant has not been reported in the literature in individuals affected with NPHP1-related conditions. ClinVar contains an entry for this variant (Variation ID: 330729). Algorithms developed to predict the effect of missense changes on protein structure and function output the following: SIFT: "Tolerated"; PolyPhen-2: "Benign"; Align-GVGD: "Class C0". The leucine amino acid residue is found in multiple mammalian species, which suggests that this missense change does not adversely affect protein function. In summary, the available evidence is currently insufficient to determine the role of this variant in disease. Therefore, it has been classified as a Variant of Uncertain Significance.

Mayo Clinic Laboratories, Mayo Clinic
Classification: Uncertain significance. Last evaluated: 2022-01-21. Review status: criteria provided, single submitter. Criteria: ACMG Guidelines, 2015. Collection method: clinical testing. Allele origin: germline.

Fulgent Genetics
Classification: Uncertain significance for Nephronophthisis 1; Senior-Loken syndrome 1; Joubert syndrome with renal defect. Last evaluated: 2021-12-11. Review status: criteria provided, single submitter. Criteria: ACMG Guidelines, 2015. Collection method: clinical testing. Allele origin: unknown.

Illumina Laboratory Services, Illumina
Classification: Uncertain significance for Senior-Loken syndrome 1. Last evaluated: 2018-01-13. Review status: criteria provided, single submitter. Criteria: ICSL Variant Classification Criteria 13 December 2019. Collection method: clinical testing. Allele origin: germline.

Illumina Laboratory Services, Illumina
Classification: Uncertain significance for Nephronophthisis 1. Last evaluated: 2018-01-13. Review status: criteria provided, single submitter. Criteria: ICSL Variant Classification Criteria 13 December 2019. Collection method: clinical testing. Allele origin: germline.

Illumina Laboratory Services, Illumina
Classification: Uncertain significance for Joubert syndrome with renal defect. Last evaluated: 2018-01-13. Review status: criteria provided, single submitter. Criteria: ICSL Variant Classification Criteria 13 December 2019. Collection method: clinical testing. Allele origin: germline.

Genetic Services Laboratory, University of Chicago
Classification: Uncertain significance. Last evaluated: 2016-03-04. Review status: criteria provided, single submitter. Criteria: ACMG Guidelines, 2015. Collection method: clinical testing. Allele origin: germline. Affected: no.